The following is an entry in ClinVar:

NM_000059.4(BRCA2):c.9896A>C (p.Gln3299Pro)

Gene: BRCA2 (BRCA2 DNA repair associated; plus strand). Cytogenetic location: 13q13.1.
Variant type: single nucleotide variant.
Coding change: c.9896A>C on transcript NM_000059.4 (MANE Select); coding-DNA position 9896, A replaced by C.
Protein change: p.Gln3299Pro; replaces glutamine 3299 with proline.
Molecular consequence: missense variant.
Genome position (GRCh38, 1-based): chr13:32,398,409, A>C. VCF-style: chr13-32398409-A-C. GRCh37 (hg19) VCF-style: chr13-32972546-A-C.
Other names: Q3299P; 10124A>C; c.9800A>C, p.Gln3267Pro (NM_001406719.1); c.9845A>C, p.Gln3282Pro (NM_001406720.1); c.4964A>C, p.Gln1655Pro (NM_001406721.1); c.3479A>C, p.Gln1160Pro (NM_001406722.1); short protein forms Q1160P, Q1655P, Q3267P, Q3282P.
Identifiers: ClinVar variation 91537 (VCV000091537.6), dbSNP rs398122625, ClinGen allele CA026324.

ClinVar aggregate classification (germline): Uncertain significance. Review status: criteria provided, multiple submitters, no conflicts (2 of 4 stars). 3 submissions from 3 submitters: Uncertain significance (2). 1 of the submissions does not count toward it. Last evaluated 2025-11-11.

Conditions:
Hereditary breast ovarian cancer syndrome. Also called: Breast and ovarian cancer; Hereditary breast and ovarian cancer; Hereditary breast and ovarian cancer syndrome; BRCA1- and BRCA2-Associated Hereditary Breast and Ovarian Cancer; Hereditary breast and ovarian cancer syndrome (HBOC); Hereditary breast and/or ovarian cancer syndrome. Identifiers: Orphanet 145, MedGen C0677776, MeSH D061325, MONDO:0003582. Disease mechanism: loss of function.
Breast-ovarian cancer, familial, susceptibility to, 2 (BROVCA2). Also called: BRCA2 Hereditary Breast and Ovarian Cancer. Identifiers: Orphanet 145, MedGen C2675520, MONDO:0012933, OMIM 612555. Disease mechanism: loss of function.
Hereditary cancer-predisposing syndrome. Also called: Tumor predisposition; Hereditary Cancer Syndrome; Neoplastic Syndromes, Hereditary; Hereditary neoplastic syndrome. Identifiers: Orphanet 140162, MedGen C0027672, MeSH D009386, MONDO:0015356.

Allele frequency attached by ClinVar (database versions not stated): gnomAD exomes below 0.00001; TOPMed 0.00002.

Submissions (3):

Ambry Genetics
Classification: Uncertain significance for Hereditary cancer-predisposing syndrome. Last evaluated: 2025-11-11. Review status: criteria provided, single submitter. Criteria: Ambry Variant Classification Scheme 2023. Collection method: clinical testing. Allele origin: germline.
Comment: The p.Q3299P variant (also known as c.9896A>C), located in coding exon 26 of the BRCA2 gene, results from an A to C substitution at nucleotide position 9896. The glutamine at codon 3299 is replaced by proline, an amino acid with similar properties. This amino acid position is conserved. In addition, this alteration is predicted to be tolerated by in silico analysis. Since supporting evidence is limited at this time, the clinical significance of this alteration remains unclear.

Labcorp Genetics (formerly Invitae), Labcorp
Classification: Uncertain significance for Hereditary breast ovarian cancer syndrome. Last evaluated: 2025-10-09. Review status: criteria provided, single submitter. Criteria: Invitae Variant Classification Sherloc (09022015). Collection method: clinical testing. Allele origin: germline.
Comment: This sequence change replaces glutamine, which is neutral and polar, with proline, which is neutral and non-polar, at codon 3299 of the BRCA2 protein (p.Gln3299Pro). This variant is not present in population databases (gnomAD no frequency). This variant has not been reported in the literature in individuals affected with BRCA2-related conditions. ClinVar contains an entry for this variant (Variation ID: 91537). Invitae Evidence Modeling of protein sequence and biophysical properties (such as structural, functional, and spatial information, amino acid conservation, physicochemical variation, residue mobility, and thermodynamic stability) indicates that this missense variant is not expected to disrupt BRCA2 protein function with a negative predictive value of 95%. In summary, the available evidence is currently insufficient to determine the role of this variant in disease. Therefore, it has been classified as a Variant of Uncertain Significance.

Sharing Clinical Reports Project (SCRP)
Classification: Uncertain significance for Breast-ovarian cancer, familial 2. Last evaluated: 2011-07-08. Review status: no assertion criteria provided. Collection method: clinical testing. Allele origin: germline. Not counted in ClinVar's aggregate classification.